The following is an entry in ClinVar:

NM_001010892.3(RSPH4A):c.1247C>T (p.Ala416Val)

Gene: RSPH4A (radial spoke head component 4A; plus strand). Cytogenetic location: 6q22.1.
Variant type: single nucleotide variant.
Coding change: c.1247C>T on transcript NM_001010892.3 (MANE Select); coding-DNA position 1247, C replaced by T.
Protein change: p.Ala416Val; replaces alanine 416 with valine.
Molecular consequence: missense variant.
Genome position (GRCh38, 1-based): chr6:116,627,954, C>T. VCF-style: chr6-116627954-C-T. GRCh37 (hg19) VCF-style: chr6-116949117-C-T.
Other names: c.1247C>T, p.Ala416Val (NM_001161664.2); short protein forms A416V.
Identifiers: ClinVar variation 355120 (VCV000355120.9), dbSNP rs61738662, ClinGen allele CA3970912.

ClinVar aggregate classification (germline): Uncertain significance. Review status: criteria provided, multiple submitters, no conflicts (2 of 4 stars). 3 submissions from 3 submitters: Uncertain significance (3). Last evaluated 2024-09-24.

Conditions:
Primary ciliary dyskinesia. Also called: Ciliary dyskinesia. Identifiers: Orphanet 244, MedGen C0008780, MONDO:0016575, HP:0012265.
Primary ciliary dyskinesia 11. Also called: CILIARY DYSKINESIA, PRIMARY, 11, WITHOUT SITUS INVERSUS. Identifiers: Orphanet 244, MedGen C2675229, MONDO:0012978, OMIM 612649.

Allele frequency attached by ClinVar (database versions not stated): gnomAD exomes below 0.00001 and 0.00004; ExAC 0.00002; gnomAD 0.00005 and 0.00006; ESP Exome Variant Server 0.00008; TOPMed 0.00008.

Submissions (3):

Ambry Genetics
Classification: Uncertain significance for Primary ciliary dyskinesia. Last evaluated: 2024-09-24. Review status: criteria provided, single submitter. Criteria: Ambry Variant Classification Scheme 2023. Collection method: clinical testing. Allele origin: germline.
Comment: The p.A416V variant (also known as c.1247C>T), located in coding exon 3 of the RSPH4A gene, results from a C to T substitution at nucleotide position 1247. The alanine at codon 416 is replaced by valine, an amino acid with similar properties. This amino acid position is conserved. In addition, this alteration is predicted to be tolerated by in silico analysis. Since supporting evidence is limited at this time, the clinical significance of this alteration remains unclear.

Labcorp Genetics (formerly Invitae), Labcorp
Classification: Uncertain significance for Primary ciliary dyskinesia. Last evaluated: 2019-01-29. Review status: criteria provided, single submitter. Criteria: Invitae Variant Classification Sherloc (09022015). Collection method: clinical testing. Allele origin: germline.
Comment: This sequence change replaces alanine with valine at codon 416 of the RSPH4A protein (p.Ala416Val). The alanine residue is weakly conserved and there is a small physicochemical difference between alanine and valine. This variant is present in population databases (rs61738662, ExAC 0.03%). This variant has not been reported in the literature in individuals with RSPH4A-related conditions. ClinVar contains an entry for this variant (Variation ID: 355120). Algorithms developed to predict the effect of missense changes on protein structure and function output the following: SIFT: "Tolerated"; PolyPhen-2: "Benign"; Align-GVGD: "Class C0". The valine amino acid residue is found in multiple mammalian species, suggesting that this missense change does not adversely affect protein function. These predictions have not been confirmed by published functional studies and their clinical significance is uncertain. Algorithms developed to predict the effect of sequence changes on RNA splicing suggest that this variant may create or strengthen a splice site, but this prediction has not been confirmed by published transcriptional studies. In summary, the available evidence is currently insufficient to determine the role of this variant in disease. Therefore, it has been classified as a Variant of Uncertain Significance.

Illumina Laboratory Services, Illumina
Classification: Uncertain significance for Primary ciliary dyskinesia 11. Last evaluated: 2018-01-12. Review status: criteria provided, single submitter. Criteria: ICSL Variant Classification Criteria 13 December 2019. Collection method: clinical testing. Allele origin: germline.